The following is an entry in ClinVar:

ClinVar aggregate classification (germline): Uncertain significance. Review status: criteria provided, multiple submitters, no conflicts (2 of 4 stars). 3 submissions from 3 submitters: Uncertain significance (3). Last evaluated 2023-10-03.

Conditions:
Inborn genetic diseases. Identifiers: MedGen C0950123, MeSH D030342.

Allele frequency attached by ClinVar (database versions not stated): TOPMed 0.00001; gnomAD 0.00002.
gnomAD v4.1: 9 of 1,597,576 alleles (0.00056%); highest among the groups gnomAD compares: Middle Eastern, 0.05%; no homozygotes.

Submissions (3):

Labcorp Genetics (formerly Invitae), Labcorp
Classification: Uncertain significance. Last evaluated: 2023-10-03. Review status: criteria provided, single submitter. Criteria: Invitae Variant Classification Sherloc (09022015). Collection method: clinical testing. Allele origin: germline.
Comment: This sequence change falls in intron 2 of the DMXL2 gene. It does not directly change the encoded amino acid sequence of the DMXL2 protein. It affects a nucleotide within the consensus splice site. This variant is present in population databases (no rsID available, gnomAD 0.007%). This variant has not been reported in the literature in individuals affected with DMXL2-related conditions. ClinVar contains an entry for this variant (Variation ID: 1448796). Variants that disrupt the consensus splice site are a relatively common cause of aberrant splicing (PMID: 17576681, 9536098). Algorithms developed to predict the effect of sequence changes on RNA splicing suggest that this variant is not likely to affect RNA splicing. In summary, the available evidence is currently insufficient to determine the role of this variant in disease. Therefore, it has been classified as a Variant of Uncertain Significance.

Blueprint Genetics
Classification: Uncertain significance. Last evaluated: 2022-08-31. Review status: criteria provided, single submitter. Criteria: ACMG Guidelines, 2015. Collection method: clinical testing. Allele origin: germline.

Ambry Genetics
Classification: Uncertain significance for Inborn genetic diseases. Last evaluated: 2022-05-10. Review status: criteria provided, single submitter. Criteria: Ambry Variant Classification Scheme 2023. Collection method: clinical testing. Allele origin: germline.
Comment: The c.213+4A>T intronic alteration consists of a A to T substitution 4 nucleotides after exon 2 of the DMXL2 gene. Based on insufficient or conflicting evidence, the clinical significance of this alteration remains unclear.

Literature cited by the submitters: PubMed 17576681 (cited by Labcorp Genetics (formerly Invitae), Labcorp); PubMed 9536098 (cited by Labcorp Genetics (formerly Invitae), Labcorp).

NM_001378457.1(DMXL2):c.213+4A>T

Gene: DMXL2 (Dmx like 2; minus strand). Cytogenetic location: 15q21.2.
Variant type: single nucleotide variant.
Coding change: c.213+4A>T on transcript NM_001378457.1 (MANE Select); 4 bases into the intron after coding-DNA position 213, A replaced by T.
Molecular consequence: intron variant.
Genome position (GRCh38, 1-based): chr15:51,576,052, T>A on the plus strand (A>T on the coding strand, the complement: DMXL2 is on the minus strand). VCF-style: chr15-51576052-T-A. GRCh37 (hg19) VCF-style: chr15-51868249-T-A.
Other names: c.213+4A>T (NM_001174116.1, NM_001378460.1, NM_001174117.3 and 8 more transcripts).
Identifiers: ClinVar variation 1448796 (VCV001448796.6), dbSNP rs1317865985, ClinGen allele CA490511800.
Genomic context (GRCh38, chr15:51,576,052, plus strand): 5'-GAAGATTCTGAGATTATTAAACACATTTTTAAATGACATTCAGTAAAGAAATTAAATCCC[T>A]TACTCTTCCTTGTTGGTTAGAACACTCCACACAGCTGACTTGGATGTTTCCATGCTTAGC-3'